The following is an entry in ClinVar:

ClinVar aggregate classification (germline): Uncertain significance (0 of 4 stars; one submission).

Conditions:
INVS-related disorder. Also called: INVS-related condition.

gnomAD v4.1: 77 of 1,613,750 alleles (0.0048%); highest among the groups gnomAD compares: South Asian, 0.0022%; no homozygotes.

Submission:

PreventionGenetics, part of Exact Sciences
Classification: Uncertain significance for INVS-related condition. Last evaluated: 2024-03-28. Review status: no assertion criteria provided. Collection method: clinical testing. Allele origin: germline.
Comment: The INVS c.746C>T variant is predicted to result in the amino acid substitution p.Thr249Met. To our knowledge, this variant has not been reported in the literature. This variant is reported in 0.056% of alleles in individuals of European (Finnish) descent in gnomAD. Although we suspect that this variant may be benign, at this time, the clinical significance of this variant is uncertain due to the absence of conclusive functional and genetic evidence.

NM_014425.5(INVS):c.746C>T (p.Thr249Met)

Gene: INVS (inversin; plus strand). Cytogenetic location: 9q31.1.
Variant type: single nucleotide variant.
Coding change: c.746C>T on transcript NM_014425.5 (MANE Select); coding-DNA position 746, C replaced by T.
Protein change: p.Thr249Met; replaces threonine 249 with methionine.
Molecular consequence: missense variant. On other transcripts: 5 prime UTR variant (1), non-coding transcript variant (1).
Genome position (GRCh38, 1-based): chr9:100,240,190, C>T. VCF-style: chr9-100240190-C-T. GRCh37 (hg19) VCF-style: chr9-103002472-C-T.
Other names: c.458C>T, p.Thr153Met (NM_001318381.2); c.-244C>T (NM_001318382.2); short protein forms T153M, T249M.
Identifiers: ClinVar variation 3354146 (VCV003354146.1).
Genomic context (GRCh38, chr9:100,240,190, plus strand): 5'-TTGCTGATGGGAATGTGACCGTGGTTGATGTCTTGACCTCATATGAAAGCTGCAATATAA[C>T]GTCTTATGATAACTTATTTCGAACCCCACTGCACTGGGCAGCTTTATTAGGTACGTGACT-3'
Protein context (NP_055240.2, residues 239-259): VLTSYESCNI[Thr249Met]SYDNLFRTPL